The following is an entry in ClinVar:

ClinVar aggregate classification (germline): Likely benign (1 of 4 stars; one submission).

Submission:

Mayo Clinic Laboratories, Mayo Clinic
Classification: Likely benign. Last evaluated: 2025-11-26. Review status: criteria provided, single submitter. Criteria: ACMG Guidelines, 2015. Collection method: clinical testing. Allele origin: germline. Observed: 1 variant allele.
Comment: BP4, BP7

NM_003477.3(PDHX):c.342+9T>G

Gene: PDHX (pyruvate dehydrogenase complex component X; plus strand). Cytogenetic location: 11p13.
Variant type: single nucleotide variant.
Coding change: c.342+9T>G on transcript NM_003477.3 (MANE Select); 9 bases into the intron after coding-DNA position 342, T replaced by G.
Molecular consequence: intron variant.
Genome position (GRCh38, 1-based): chr11:34,947,615, T>G. VCF-style: chr11-34947615-T-G. GRCh37 (hg19) VCF-style: chr11-34969162-T-G.
Other names: p.?; c.162+9T>G (NM_001135024.2); c.342+9T>G (NM_001166158.2).
Identifiers: ClinVar variation 4683604 (VCV004683604.1).